The following is an entry in ClinVar:

ClinVar aggregate classification (germline): Uncertain significance (1 of 4 stars; one submission).

Conditions:
JARID2-related disorder. Also called: JARID2-related condition.

gnomAD v4.1: 1 of 1,614,014 alleles (0.000062%); no homozygotes.

Submission:

PreventionGenetics, part of Exact Sciences
Classification: Uncertain significance for JARID2-related condition. Last evaluated: 2022-10-28. Review status: criteria provided, single submitter. Criteria: ACMG Guidelines, 2015. Collection method: clinical testing. Allele origin: germline.
Comment: The JARID2 c.53G>A variant is predicted to result in the amino acid substitution p.Ser18Asn. To our knowledge, this variant has not been reported in the literature or in a large population database, indicating this variant is rare. At this time, the clinical significance of this variant is uncertain due to the absence of conclusive functional and genetic evidence.

NM_004973.4(JARID2):c.53G>A (p.Ser18Asn)

Gene: JARID2 (jumonji and AT-rich interaction domain containing 2; plus strand). Cytogenetic location: 6p22.3.
Variant type: single nucleotide variant.
Coding change: c.53G>A on transcript NM_004973.4 (MANE Select); coding-DNA position 53, G replaced by A.
Protein change: p.Ser18Asn; replaces serine 18 with asparagine.
Molecular consequence: missense variant. On other transcripts: 5 prime UTR variant (1).
Genome position (GRCh38, 1-based): chr6:15,374,124, G>A. VCF-style: chr6-15374124-G-A. GRCh37 (hg19) VCF-style: chr6-15374355-G-A.
Other names: c.-464G>A (NM_001267040.1); short protein forms S18N.
Identifiers: ClinVar variation 2635867 (VCV002635867.1), dbSNP rs2481430632, ClinGen allele CA362868173.